The following is an entry in ClinVar:

NM_001220.5(CAMK2B):c.1562C>G (p.Pro521Arg)

Gene: CAMK2B (calcium/calmodulin dependent protein kinase II beta; minus strand). Cytogenetic location: 7p13.
Variant type: single nucleotide variant.
Coding change: c.1562C>G on transcript NM_001220.5 (MANE Select); coding-DNA position 1562, C replaced by G.
Protein change: p.Pro521Arg; replaces proline 521 with arginine.
Molecular consequence: missense variant. On other transcripts: intron variant (8).
Genome position (GRCh38, 1-based): chr7:44,226,551, G>C on the plus strand (C>G on the coding strand, the complement: CAMK2B is on the minus strand). VCF-style: chr7-44226551-G-C. GRCh37 (hg19) VCF-style: chr7-44266150-G-C.
Other names: c.947-5650C>G (NM_172084.3); c.1150+4455C>G (NM_172080.3); c.1036+4455C>G (NM_172083.3); c.1108+4455C>G (NM_172081.3); c.1153+4455C>G (NM_172079.3, NM_172082.3); c.1225+4455C>G (NM_001293170.2, NM_172078.3); short protein forms P521R.
Identifiers: ClinVar variation 2785400 (VCV002785400.3), dbSNP rs760616937, ClinGen allele CA367371463.

ClinVar aggregate classification (germline): Uncertain significance (1 of 4 stars; one submission).

Allele frequency attached by ClinVar (database versions not stated): gnomAD exomes below 0.00001.
gnomAD v4.1: 1 of 1,461,130 alleles (0.000068%); highest among the groups gnomAD compares: Middle Eastern, 0.018%; no homozygotes.

Submission:

Labcorp Genetics (formerly Invitae), Labcorp
Classification: Uncertain significance. Last evaluated: 2024-10-29. Review status: criteria provided, single submitter. Criteria: Invitae Variant Classification Sherloc (09022015). Collection method: clinical testing. Allele origin: germline.
Comment: This sequence change replaces proline, which is neutral and non-polar, with arginine, which is basic and polar, at codon 521 of the CAMK2B protein (p.Pro521Arg). This variant is not present in population databases (gnomAD no frequency). This variant has not been reported in the literature in individuals affected with CAMK2B-related conditions. An algorithm developed to predict the effect of missense changes on protein structure and function (PolyPhen-2) suggests that this variant is likely to be disruptive. In summary, the available evidence is currently insufficient to determine the role of this variant in disease. Therefore, it has been classified as a Variant of Uncertain Significance.